The following is an entry in ClinVar:

NM_012330.4(KAT6B):c.5002A>G (p.Ser1668Gly)

Gene: KAT6B (lysine acetyltransferase 6B; plus strand). Cytogenetic location: 10q22.2.
Variant type: single nucleotide variant.
Coding change: c.5002A>G on transcript NM_012330.4 (MANE Select); coding-DNA position 5002, A replaced by G.
Protein change: p.Ser1668Gly; replaces serine 1668 with glycine.
Molecular consequence: missense variant.
Genome position (GRCh38, 1-based): chr10:75,029,826, A>G. VCF-style: chr10-75029826-A-G. GRCh37 (hg19) VCF-style: chr10-76789584-A-G.
Other names: c.3937A>G, p.Ser1313Gly (NM_001370144.1, NM_001370143.1); c.4453A>G, p.Ser1485Gly (NM_001256468.2, NM_001370138.1); c.4126A>G, p.Ser1376Gly (NM_001256469.2, NM_001370139.1, NM_001370140.1 and 2 more transcripts); c.3964A>G, p.Ser1322Gly (NM_001370132.1); c.3313A>G, p.Ser1105Gly (NM_001370133.1); c.2917A>G, p.Ser973Gly (NM_001370134.1); c.2659A>G, p.Ser887Gly (NM_001370135.1); c.5002A>G, p.Ser1668Gly (NM_001370136.1, NM_001370137.1); short protein forms S1105G, S1313G, S1322G, S1376G, S1485G, S1668G, S887G, S973G.
Identifiers: ClinVar variation 2582697 (VCV002582697.2), dbSNP rs2549207711, ClinGen allele CA377299611.
Genomic context (GRCh38, chr10:75,029,826, plus strand): 5'-CCCATGATGGATGTCCCATCAGTTTCAGATCATTCACAGCAAGTCGTAGACAGTGGATTT[A>G]GTGACCTGGGCAGTATCGAGAGCACAACTGAGAACTACGAAAACCCAAGCAGCTACGATT-3'
Protein context (NP_036462.2, residues 1658-1678): HSQQVVDSGF[Ser1668Gly]DLGSIESTTE

ClinVar aggregate classification (germline): Likely pathogenic (1 of 4 stars; one submission).

Conditions:
Genitopatellar syndrome (GTPTS). Also called: ABSENT PATELLAE, SCROTAL HYPOPLASIA, RENAL ANOMALIES, FACIAL DYSMORPHISM, AND MENTAL RETARDATION; Genitopatellar syndrome (GPS). Identifiers: Orphanet 85201, MedGen C1853566, MONDO:0011640, OMIM 606170.

Submission:

Institute of Human Genetics, University of Goettingen
Classification: Likely pathogenic for Genitopatellar syndrome. Last evaluated: 2023-10-10. Review status: criteria provided, single submitter. Criteria: ACMG Guidelines, 2015. Collection method: clinical testing. Allele origin: unknown. Affected: yes. Observed: 1 heterozygote.
Comment: The KAT6B-variant NM_001256468.2:c.4453A>G is classified by our institute as a likely pathogenic variant, as it is not present in any databases (gnomAD / ExAC), as a missense effect, what is a known pathomechanism for the associated disease, and the majority of the prediction programs used judge the variant to be damaging. The clinical symptoms of the patient fit to known symptoms for the associated diseases.